The following is an entry in ClinVar:

NM_001042424.3(NSD2):c.3137_3138delinsCC (p.Cys1046Ser)

Gene: NSD2 (nuclear receptor binding SET domain protein 2; plus strand). Cytogenetic location: 4p16.3.
Variant type: Indel.
Coding change: c.3137_3138delinsCC on transcript NM_001042424.3 (MANE Select); coding-DNA positions 3137 to 3138, GT replaced by CC.
Protein change: p.Cys1046Ser; replaces cysteine 1046 with serine.
Molecular consequence: missense variant.
Genome position (GRCh38, 1-based): chr4:1,959,622-1,959,623, GT replaced by CC. VCF-style: chr4-1959622-GT-CC. GRCh37 (hg19) VCF-style: chr4-1961349-GT-CC.
Other names: c.3137_3138delinsCC, p.Cys1046Ser (NM_133330.3, NM_133331.3, NM_133335.4); short protein forms C1046S.
Identifiers: ClinVar variation 3384366 (VCV003384366.1).

ClinVar aggregate classification (germline): Uncertain significance (1 of 4 stars; one submission).

Submission:

GeneDx
Classification: Uncertain significance. Last evaluated: 2024-06-04. Review status: criteria provided, single submitter. Criteria: GeneDx Variant Classification Process June 2021. Collection method: clinical testing. Allele origin: germline. Affected: yes.
Comment: Not observed at significant frequency in large population cohorts (gnomAD); In silico analysis supports a deleterious effect on protein structure/function; Has not been previously published as pathogenic or benign to our knowledge